The following is an entry in ClinVar:

NM_005879.3(TRAIP):c.99-15T>G

Gene: TRAIP (TRAF interacting protein; minus strand). Cytogenetic location: 3p21.31.
Variant type: single nucleotide variant.
Coding change: c.99-15T>G on transcript NM_005879.3 (MANE Select); 15 bases into the intron before coding-DNA position 99, T replaced by G.
Molecular consequence: intron variant.
Genome position (GRCh38, 1-based): chr3:49,848,215, A>C on the plus strand (T>G on the coding strand, the complement: TRAIP is on the minus strand). VCF-style: chr3-49848215-A-C. GRCh37 (hg19) VCF-style: chr3-49885648-A-C.
Identifiers: ClinVar variation 1992086 (VCV001992086.3), dbSNP rs1482261349, ClinGen allele CA1047794600.

ClinVar aggregate classification (germline): Uncertain significance (1 of 4 stars; one submission).

Allele frequency attached by ClinVar (database versions not stated): gnomAD 0.00001; TOPMed 0.00001.
gnomAD v4.1: 2 of 1,614,024 alleles (0.00012%); highest among the groups gnomAD compares: Admixed American, 0.0017%; no homozygotes.

Submission:

Labcorp Genetics (formerly Invitae), Labcorp
Classification: Uncertain significance. Last evaluated: 2024-09-05. Review status: criteria provided, single submitter. Criteria: Invitae Variant Classification Sherloc (09022015). Collection method: clinical testing. Allele origin: germline.
Comment: This sequence change falls in intron 1 of the TRAIP gene. It does not directly change the encoded amino acid sequence of the TRAIP protein. This variant is not present in population databases (gnomAD no frequency). This variant has not been reported in the literature in individuals affected with TRAIP-related conditions. ClinVar contains an entry for this variant (Variation ID: 1992086). Algorithms developed to predict the effect of sequence changes on RNA splicing suggest that this variant may disrupt the consensus splice site. In summary, the available evidence is currently insufficient to determine the role of this variant in disease. Therefore, it has been classified as a Variant of Uncertain Significance.